The following is an entry in ClinVar:

ClinVar aggregate classification (germline): Uncertain significance (1 of 4 stars; one submission).

Submission:

Ambry Genetics
Classification: Uncertain significance. Last evaluated: 2021-10-25. Review status: criteria provided, single submitter. Criteria: Ambry Variant Classification Scheme 2023. Collection method: clinical testing. Allele origin: germline.
Comment: The p.D360Y variant (also known as c.1078G>T), located in coding exon 3 of the ALPK2 gene, results from a G to T substitution at nucleotide position 1078. The aspartic acid at codon 360 is replaced by tyrosine, an amino acid with highly dissimilar properties. This amino acid position is conserved. In addition, this alteration is predicted to be tolerated by in silico analysis. Since supporting evidence is limited at this time, the clinical significance of this alteration remains unclear.

NM_052947.4(ALPK2):c.1078G>T (p.Asp360Tyr)

Genes: ALPK2 (alpha kinase 2; minus strand), LOC114803473 (ALPK2 eExon liver enhancer; plus strand). Cytogenetic location: 18q21.31.
Variant type: single nucleotide variant.
Coding change: c.1078G>T on transcript NM_052947.4 (MANE Select); coding-DNA position 1078, G replaced by T.
Protein change: p.Asp360Tyr; replaces aspartic acid 360 with tyrosine.
Molecular consequence: missense variant.
Genome position (GRCh38, 1-based): chr18:58,579,698, C>A on the plus strand (G>T on the coding strand, the complement: ALPK2 is on the minus strand). VCF-style: chr18-58579698-C-A. GRCh37 (hg19) VCF-style: chr18-56246930-C-A.
Other names: short protein forms D360Y.
Identifiers: ClinVar variation 1785544 (VCV001785544.2), dbSNP rs140973320, ClinGen allele CA402564819.